The following is an entry in ClinVar:

ClinVar aggregate classification (germline): Conflicting classifications of pathogenicity. Review status: criteria provided, conflicting classifications (1 of 4 stars). 7 submissions from 7 submitters: Uncertain significance (6); Likely benign (1). Last evaluated 2026-01-26.

Conditions:
Arrhythmogenic cardiomyopathy with wooly hair and keratoderma. Also called: Dilated cardiomyopathy with woolly hair and keratoderma; Arrhythmogenic cardiomyopathy with woolly hair and keratoderma; PALMOPLANTAR KERATODERMA WITH LEFT VENTRICULAR CARDIOMYOPATHY AND WOOLLY HAIR; Carvajal syndrome. Identifiers: Orphanet 65282, MedGen C1854063, MONDO:0011581, OMIM 605676.
Arrhythmogenic right ventricular dysplasia 8 (ARVD8). Also called: Arrhythmogenic Right Ventricular Dysplasia/Cardiomyopathy 8; ARRHYTHMOGENIC RIGHT VENTRICULAR DYSPLASIA, FAMILIAL, 8; ARRHYTHMOGENIC RIGHT VENTRICULAR CARDIOMYOPATHY 8. Identifiers: MedGen C1843896, MONDO:0011831, OMIM 607450.
DSP-related disorder. Also called: DSP-related condition; DSP-related disorders.
Cardiovascular phenotype. Identifiers: MedGen CN230736.
Cardiomyopathy (CMYO). Also called: Cardiomyopathies. Identifiers: Orphanet 167848, MedGen C0878544, MONDO:0004994, HP:0001638. Inheritance: Various modes of inheritance.

Allele frequency attached by ClinVar (database versions not stated): TOPMed below 0.00001; gnomAD 0.00001; gnomAD exomes 0.00001; ExAC 0.00002; 1000 Genomes Project 30x 0.00016; 1000 Genomes Project 0.00020.
gnomAD v4.1: 12 of 1,614,200 alleles (0.00074%); highest among the groups gnomAD compares: African/African-American, 0.0013%; no homozygotes.

Submissions (7):

PreventionGenetics, part of Exact Sciences
Classification: Uncertain significance for DSP-related condition. Last evaluated: 2026-01-26. Review status: criteria provided, single submitter. Criteria: ACMG Guidelines, 2015. Collection method: clinical testing. Allele origin: germline.
Comment: The DSP c.6112A>C variant is predicted to result in the amino acid substitution p.Lys2038Gln. To our knowledge, this variant has not been reported in the literature. This variant is reported in 0.0062% of alleles in individuals of African descent in gnomAD. At this time, the clinical significance of this variant is uncertain due to the absence of conclusive functional and genetic evidence.

Mayo Clinic Laboratories, Mayo Clinic
Classification: Uncertain significance. Last evaluated: 2025-12-18. Review status: criteria provided, single submitter. Criteria: ACMG Guidelines, 2015. Collection method: clinical testing. Allele origin: germline. Observed: 1 variant allele.
Comment: BP4_moderate, PM2_supporting

Labcorp Genetics (formerly Invitae), Labcorp
Classification: Likely benign for Arrhythmogenic cardiomyopathy with wooly hair and keratoderma; Arrhythmogenic right ventricular dysplasia 8. Last evaluated: 2025-09-22. Review status: criteria provided, single submitter. Criteria: Invitae Variant Classification Sherloc (09022015). Collection method: clinical testing. Allele origin: germline.

All of Us Research Program, National Institutes of Health
Classification: Uncertain significance for Arrhythmogenic cardiomyopathy with wooly hair and keratoderma. Last evaluated: 2024-08-23. Review status: criteria provided, single submitter. Criteria: ACMG Guidelines, 2015. Collection method: clinical testing. Allele origin: germline. Inheritance: Autosomal dominant inheritance. Observed: 6 variant alleles, 6 heterozygotes.
Comment: This missense variant replaces lysine with glutamine at codon 2038 of the DSP protein. Computational prediction suggests that this variant may not impact protein structure and function (internally defined REVEL score threshold <= 0.5, PMID: 27666373). To our knowledge, functional studies have not been reported for this variant. This variant has not been reported in individuals affected with cardiovascular disorders in the literature. This variant has been identified in 2/251188 chromosomes in the general population by the Genome Aggregation Database (gnomAD). The available evidence is insufficient to determine the role of this variant in disease conclusively. Therefore, this variant is classified as a Variant of Uncertain Significance.

This study involves interpretation of variants in research participants for the purpose of population health screening. Participant phenotype was not available at the time of variant classification. Additional details can be found in publication PMID: 35346344, PMCID: PMC8962531

Color Diagnostics, LLC DBA Color Health
Classification: Uncertain significance for Cardiomyopathy. Last evaluated: 2024-03-07. Review status: criteria provided, single submitter. Criteria: ACMG Guidelines, 2015. Collection method: clinical testing. Allele origin: germline.
Comment: This missense variant replaces lysine with glutamine at codon 2038 of the DSP protein. Computational prediction suggests that this variant may not impact protein structure and function (internally defined REVEL score threshold <= 0.5, PMID: 27666373). To our knowledge, functional studies have not been reported for this variant. This variant has not been reported in individuals affected with cardiovascular disorders in the literature. This variant has been identified in 2/251188 chromosomes in the general population by the Genome Aggregation Database (gnomAD). The available evidence is insufficient to determine the role of this variant in disease conclusively. Therefore, this variant is classified as a Variant of Uncertain Significance.

Ambry Genetics
Classification: Uncertain significance for Cardiovascular phenotype. Last evaluated: 2023-06-28. Review status: criteria provided, single submitter. Criteria: Ambry Variant Classification Scheme 2023. Collection method: clinical testing. Allele origin: germline.
Comment: The p.K2038Q variant (also known as c.6112A>C), located in coding exon 24 of the DSP gene, results from an A to C substitution at nucleotide position 6112. The lysine at codon 2038 is replaced by glutamine, an amino acid with similar properties. This amino acid position is conserved. In addition, this alteration is predicted to be tolerated by in silico analysis. Since supporting evidence is limited at this time, the clinical significance of this alteration remains unclear.

Institute of Human Genetics, University of Leipzig Medical Center
Classification: Uncertain significance for Arrhythmogenic right ventricular dysplasia 8. Last evaluated: 2019-01-01. Review status: criteria provided, single submitter. Criteria: ACMG Guidelines, 2015. Collection method: clinical testing. Allele origin: unknown. Affected: yes.

NM_004415.4(DSP):c.6112A>C (p.Lys2038Gln)

Gene: DSP (desmoplakin; plus strand). Cytogenetic location: 6p24.3.
Variant type: single nucleotide variant.
Coding change: c.6112A>C on transcript NM_004415.4 (MANE Select); coding-DNA position 6112, A replaced by C.
Protein change: p.Lys2038Gln; replaces lysine 2038 with glutamine.
Molecular consequence: missense variant.
Genome position (GRCh38, 1-based): chr6:7,583,374, A>C. VCF-style: chr6-7583374-A-C. GRCh37 (hg19) VCF-style: chr6-7583607-A-C.
Other names: p.Lys2038Gln; c.6112A>C (LRG_423t1); c.4315A>C, p.Lys1439Gln (NM_001008844.3); c.4783A>C, p.Lys1595Gln (NM_001319034.2); short protein forms K2038Q, K1439Q, K1595Q.
Identifiers: ClinVar variation 577764 (VCV000577764.15), dbSNP rs185846631, ClinGen allele CA046904.